The following is an entry in ClinVar:

ClinVar aggregate classification (germline): Likely pathogenic (1 of 4 stars; one submission).

Conditions:
Epidermolysis bullosa dystrophica. Also called: Dystrophic epidermolysis bullosa, Hallopeau-Siemens type (formerly); Dystrophic epidermolysis bullosa. Identifiers: Orphanet 303, MedGen C0079294, MONDO:0006543.

Submission:

Natera, Inc.
Classification: Likely pathogenic for Dystrophic epidermolysis bullosa. Last evaluated: 2024-08-16. Review status: criteria provided, single submitter. Criteria: Natera Variant Classification Schema (03/2026). Collection method: clinical testing. Allele origin: germline.
Comment: The c.7609del variant in COL7A1 is a frameshift variant predicted to shift the reading frame beginning at codon 2537 and leads to a stop codon 94 codons downstream. This variant is expected to result in nonsense mediated decay, truncation, or a dysfunctional protein product. This variant is rare in the general population with a frequency below the threshold expected for the associated phenotype(s). Given the available evidence, this variant is classified as Likely Pathogenic.

NM_000094.4(COL7A1):c.7609del (p.Asp2537fs)

Gene: COL7A1 (collagen type VII alpha 1 chain; minus strand). Cytogenetic location: 3p21.31.
Variant type: Deletion.
Coding change: c.7609del on transcript NM_000094.4 (MANE Select); coding-DNA position 7609, one base deleted (G; older notation c.7609delG).
Protein change: p.Asp2537fs; shifts the reading frame from aspartic acid 2537.
Molecular consequence: frameshift variant.
Genome position (GRCh38, 1-based): chr3:48,569,597, C deleted on the plus strand (G on the coding strand, the reverse complement: COL7A1 is on the minus strand); the first of 5 consecutive C bases (chr3:48,569,597-48,569,601); deleting any one gives the same sequence. VCF-style (leftmost placement, unchanged base first): chr3-48569596-TC-T. GRCh37 (hg19) VCF-style: chr3-48607029-TC-T.
Other names: c.7605delG, p.Asp2537Thrfs (NM_000094.3); short protein forms D2537fs.
Identifiers: ClinVar variation 4817401 (VCV004817401.1).